The following is an entry in ClinVar:

NM_032119.4(ADGRV1):c.15394G>A (p.Gly5132Arg)

Gene: ADGRV1 (adhesion G protein-coupled receptor V1; plus strand). Cytogenetic location: 5q14.3.
Variant type: single nucleotide variant.
Coding change: c.15394G>A on transcript NM_032119.4 (MANE Select); coding-DNA position 15394, G replaced by A.
Protein change: p.Gly5132Arg; replaces glycine 5132 with arginine.
Molecular consequence: missense variant. On other transcripts: non-coding transcript variant (1).
Genome position (GRCh38, 1-based): chr5:90,810,654, G>A. VCF-style: chr5-90810654-G-A. GRCh37 (hg19) VCF-style: chr5-90106471-G-A.
Other names: short protein forms G5132R.
Identifiers: ClinVar variation 905033 (VCV000905033.11), dbSNP rs199579753, ClinGen allele CA3341912.

ClinVar aggregate classification (germline): Uncertain significance. Review status: criteria provided, multiple submitters, no conflicts (2 of 4 stars). 5 submissions from 5 submitters: Uncertain significance (5). Last evaluated 2026-02-27.

Conditions:
Usher syndrome type 2C. Also called: USHER SYNDROME, TYPE IIC; Usher syndrome, type 2B. Identifiers: Orphanet 231178, Orphanet 886, MedGen C2931213, MONDO:0011558, OMIM 605472.
Inborn genetic diseases. Identifiers: MedGen C0950123, MeSH D030342.
ADGRV1-related disorder. Also called: ADGRV1-related disorders; ADGRV1-related condition.

Allele frequency attached by ClinVar (database versions not stated): gnomAD exomes 0.00003 and 0.00007; gnomAD 0.00004; ExAC 0.00005; TOPMed 0.00009; ESP Exome Variant Server 0.00025.
gnomAD v4.1: 113 of 1,613,778 alleles (0.007%); highest among the groups gnomAD compares: Non-Finnish European, 0.0087%; no homozygotes.

Submissions (5):

PreventionGenetics, part of Exact Sciences
Classification: Uncertain significance for ADGRV1-related condition. Last evaluated: 2026-02-27. Review status: criteria provided, single submitter. Criteria: ACMG Guidelines, 2015. Collection method: clinical testing. Allele origin: germline.
Comment: The ADGRV1 c.15394G>A variant is predicted to result in the amino acid substitution p.Gly5132Arg. To our knowledge, this variant has not been reported in the literature. This variant is reported in 0.0078% of alleles in individuals of European (Non-Finnish) descent in gnomAD. At this time, the clinical significance of this variant is uncertain due to the absence of conclusive functional and genetic evidence.

Blueprint Genetics
Classification: Uncertain significance. Last evaluated: 2024-10-24. Review status: criteria provided, single submitter. Criteria: ACMG Guidelines, 2015. Collection method: clinical testing. Allele origin: germline.

Ambry Genetics
Classification: Uncertain significance for Inborn genetic diseases. Last evaluated: 2024-03-25. Review status: criteria provided, single submitter. Criteria: Ambry Variant Classification Scheme 2023. Collection method: clinical testing. Allele origin: germline.

Labcorp Genetics (formerly Invitae), Labcorp
Classification: Uncertain significance. Last evaluated: 2022-07-09. Review status: criteria provided, single submitter. Criteria: Invitae Variant Classification Sherloc (09022015). Collection method: clinical testing. Allele origin: germline.
Comment: This sequence change replaces glycine, which is neutral and non-polar, with arginine, which is basic and polar, at codon 5132 of the ADGRV1 protein (p.Gly5132Arg). This variant is present in population databases (rs199579753, gnomAD 0.009%). This variant has not been reported in the literature in individuals affected with ADGRV1-related conditions. ClinVar contains an entry for this variant (Variation ID: 905033). Algorithms developed to predict the effect of missense changes on protein structure and function are either unavailable or do not agree on the potential impact of this missense change (SIFT: "Tolerated"; PolyPhen-2: "Probably Damaging"; Align-GVGD: "Class C0"). In summary, the available evidence is currently insufficient to determine the role of this variant in disease. Therefore, it has been classified as a Variant of Uncertain Significance.

Illumina Laboratory Services, Illumina
Classification: Uncertain significance for Usher syndrome type 2C. Last evaluated: 2018-02-09. Review status: criteria provided, single submitter. Criteria: ICSL Variant Classification Criteria 13 December 2019. Collection method: clinical testing. Allele origin: germline.